The following is an entry in ClinVar:

ClinVar aggregate classification (germline): Likely benign. Review status: criteria provided, multiple submitters, no conflicts (2 of 4 stars). 3 submissions from 3 submitters: Likely benign (3). Last evaluated 2024-05-20.

Allele frequency attached by ClinVar (database versions not stated): ExAC 0.00009; ESP Exome Variant Server 0.00015; 1000 Genomes Project 30x 0.00016; TOPMed 0.00018; 1000 Genomes Project 0.00020; gnomAD 0.00020.

Submissions (3):

Labcorp Genetics (formerly Invitae), Labcorp
Classification: Likely benign. Last evaluated: 2024-05-20. Review status: criteria provided, single submitter. Criteria: Invitae Variant Classification Sherloc (09022015). Collection method: clinical testing. Allele origin: germline.

Blueprint Genetics
Classification: Likely benign. Last evaluated: 2023-10-17. Review status: criteria provided, single submitter. Criteria: ACMG Guidelines, 2015. Collection method: clinical testing. Allele origin: germline.

CeGaT Center for Human Genetics Tuebingen
Classification: Likely benign. Last evaluated: 2023-07-01. Review status: criteria provided, single submitter. Criteria: CeGaT Center For Human Genetics Tuebingen Variant Classification Criteria Version 2. Collection method: clinical testing. Allele origin: germline. Affected: yes. Observed: 1 variant allele.
Comment: F12: BP4, BP7

NM_000505.4(F12):c.1428G>A (p.Ala476=)

Gene: F12 (coagulation factor XII; minus strand). Cytogenetic location: 5q35.3.
Variant type: single nucleotide variant.
Coding change: c.1428G>A on transcript NM_000505.4 (MANE Select); coding-DNA position 1428, G replaced by A.
Protein change: p.Ala476=; no amino-acid change (alanine 476 retained).
Molecular consequence: synonymous variant.
Genome position (GRCh38, 1-based): chr5:177,403,357, C>T on the plus strand (G>A on the coding strand, the complement: F12 is on the minus strand). VCF-style: chr5-177403357-C-T. GRCh37 (hg19) VCF-style: chr5-176830358-C-T.
Identifiers: ClinVar variation 2656119 (VCV002656119.28), dbSNP rs200417568, ClinGen allele CA3581169.